The following is an entry in ClinVar:

ClinVar aggregate classification (germline): Uncertain significance. Review status: criteria provided, multiple submitters, no conflicts (2 of 4 stars). 2 submissions from 2 submitters: Uncertain significance (2). Last evaluated 2025-03-12.

Conditions:
Autosomal recessive limb-girdle muscular dystrophy type 2L (LGMDR12). Also called: Limb-girdle muscular dystrophy, type 2L; MUSCULAR DYSTROPHY, LIMB-GIRDLE, AUTOSOMAL RECESSIVE 12; Limb-Girdle Muscular Dystrophy R12 Anoctamin-5-Related (LGMD-R12). Identifiers: Orphanet 206549, MedGen C1969785, MONDO:0012652, OMIM 611307.
Gnathodiaphyseal dysplasia (GDD). Also called: GNATHODIAPHYSEAL SCLEROSIS; OSTEOGENESIS IMPERFECTA WITH UNUSUAL SKELETAL LESIONS. Identifiers: Orphanet 53697, MedGen C1833736, MONDO:0008151, OMIM 166260.

Submissions (2):

Labcorp Genetics (formerly Invitae), Labcorp
Classification: Uncertain significance for Autosomal recessive limb-girdle muscular dystrophy type 2L; Gnathodiaphyseal dysplasia. Last evaluated: 2025-03-12. Review status: criteria provided, single submitter. Criteria: Invitae Variant Classification Sherloc (09022015). Collection method: clinical testing. Allele origin: germline.
Comment: This sequence change replaces leucine, which is neutral and non-polar, with isoleucine, which is neutral and non-polar, at codon 845 of the ANO5 protein (p.Leu845Ile). This variant is not present in population databases (gnomAD no frequency). This variant has not been reported in the literature in individuals affected with ANO5-related conditions. ClinVar contains an entry for this variant (Variation ID: 2688579). Invitae Evidence Modeling of protein sequence and biophysical properties (such as structural, functional, and spatial information, amino acid conservation, physicochemical variation, residue mobility, and thermodynamic stability) indicates that this missense variant is not expected to disrupt ANO5 protein function with a negative predictive value of 80%. In summary, the available evidence is currently insufficient to determine the role of this variant in disease. Therefore, it has been classified as a Variant of Uncertain Significance.

Revvity Omics, Revvity
Classification: Uncertain significance. Last evaluated: 2023-02-22. Review status: criteria provided, single submitter. Criteria: ACMG Guidelines, 2015. Collection method: clinical testing. Allele origin: germline.

NM_213599.3(ANO5):c.2533T>A (p.Leu845Ile)

Gene: ANO5 (anoctamin 5; plus strand). Cytogenetic location: 11p14.3.
Variant type: single nucleotide variant.
Coding change: c.2533T>A on transcript NM_213599.3 (MANE Select); coding-DNA position 2533, T replaced by A.
Protein change: p.Leu845Ile; replaces leucine 845 with isoleucine.
Molecular consequence: missense variant.
Genome position (GRCh38, 1-based): chr11:22,279,556, T>A. VCF-style: chr11-22279556-T-A. GRCh37 (hg19) VCF-style: chr11-22301102-T-A.
Other names: c.2530T>A, p.Leu844Ile (NM_001142649.2); c.2491T>A, p.Leu831Ile (NM_001410963.1); c.2488T>A, p.Leu830Ile (NM_001410964.1); short protein forms L830I, L831I, L844I, L845I.
Identifiers: ClinVar variation 2688579 (VCV002688579.3), dbSNP rs1215521198, ClinGen allele CA379924866.